The following is an entry in ClinVar:

ClinVar aggregate classification (germline): Uncertain significance (1 of 4 stars; one submission).

Conditions:
DICER1-related tumor predisposition. Also called: DICER1 syndrome; DICER1-related pleuropulmonary blastoma cancer predisposition syndrome. Identifiers: Orphanet 284343, MedGen C3839822, MONDO:0100216.

Submission:

Labcorp Genetics (formerly Invitae), Labcorp
Classification: Uncertain significance for DICER1-related tumor predisposition. Last evaluated: 2020-07-21. Review status: criteria provided, single submitter. Criteria: Invitae Variant Classification Sherloc (09022015). Collection method: clinical testing. Allele origin: germline.
Comment: This variant is not present in population databases (ExAC no frequency). This sequence change replaces glycine with arginine at codon 1309 of the DICER1 protein (p.Gly1309Arg). The glycine residue is highly conserved and there is a moderate physicochemical difference between glycine and arginine. This variant has not been reported in the literature in individuals with DICER1-related conditions. Algorithms developed to predict the effect of missense changes on protein structure and function (SIFT, PolyPhen-2, Align-GVGD) all suggest that this variant is likely to be disruptive, but these predictions have not been confirmed by published functional studies and their clinical significance is uncertain. In summary, the available evidence is currently insufficient to determine the role of this variant in disease. Therefore, it has been classified as a Variant of Uncertain Significance.

NM_177438.3(DICER1):c.3925G>A (p.Gly1309Arg)

Gene: DICER1 (dicer 1, ribonuclease III; minus strand). Cytogenetic location: 14q32.13.
Variant type: single nucleotide variant.
Coding change: c.3925G>A on transcript NM_177438.3 (MANE Select); coding-DNA position 3925, G replaced by A.
Protein change: p.Gly1309Arg; replaces glycine 1309 with arginine.
Molecular consequence: missense variant.
Genome position (GRCh38, 1-based): chr14:95,103,471, C>T on the plus strand (G>A on the coding strand, the complement: DICER1 is on the minus strand). VCF-style: chr14-95103471-C-T. GRCh37 (hg19) VCF-style: chr14-95569808-C-T.
Other names: c.3925G>A, p.Gly1309Arg (NM_001195573.1, NM_001271282.3, NM_001291628.2 and 1 more transcripts); short protein forms G1309R.
Identifiers: ClinVar variation 1042565 (VCV001042565.10), dbSNP rs1891081220, ClinGen allele CA390873158.